The following is an entry in ClinVar:

ClinVar aggregate classification (germline): Likely benign. Review status: criteria provided, multiple submitters, no conflicts (2 of 4 stars). 2 submissions from 2 submitters: Likely benign (2). Last evaluated 2025-11-06.

Conditions:
CEP290-related disorder. Also called: CEP290-related condition; CEP290-related disorders. Identifiers: MedGen CN239314.
Nephronophthisis. Also called: Juvenile Nephronophthisis. Identifiers: Orphanet 655, MedGen C0687120, MONDO:0019005, HP:0000090.
Joubert syndrome. Also called: Familial aplasia of the vermis; JOUBERT-BOLTSHAUSER SYNDROME. Identifiers: Orphanet 475, MedGen C5979921, MONDO:0018772.
Meckel-Gruber syndrome. Also called: Dysencephalia splachnocystica; DYSENCEPHALIA SPLANCHNOCYSTICA; GRUBER SYNDROME. Identifiers: Orphanet 564, MedGen C0265215, MONDO:0018921.

Submissions (2):

Labcorp Genetics (formerly Invitae), Labcorp
Classification: Likely benign for Joubert syndrome; Meckel-Gruber syndrome; Nephronophthisis. Last evaluated: 2025-11-06. Review status: criteria provided, single submitter. Criteria: Invitae Variant Classification Sherloc (09022015). Collection method: clinical testing. Allele origin: germline.

PreventionGenetics, part of Exact Sciences
Classification: Likely benign for CEP290-related condition. Last evaluated: 2025-09-26. Review status: criteria provided, single submitter. Criteria: ACMG Guidelines, 2015. Collection method: clinical testing. Allele origin: germline.
Comment: This variant is classified as likely benign based on ACMG/AMP sequence variant interpretation guidelines (Richards et al. 2015 PMID: 25741868, with internal and published modifications).

NM_025114.4(CEP290):c.3858C>T (p.Phe1286=)

Gene: CEP290 (centrosomal protein 290; minus strand). Cytogenetic location: 12q21.32.
Variant type: single nucleotide variant.
Coding change: c.3858C>T on transcript NM_025114.4 (MANE Select); coding-DNA position 3858, C replaced by T.
Protein change: p.Phe1286=; no amino-acid change (phenylalanine 1286 retained).
Molecular consequence: synonymous variant.
Genome position (GRCh38, 1-based): chr12:88,089,203, G>A on the plus strand (C>T on the coding strand, the complement: CEP290 is on the minus strand). VCF-style: chr12-88089203-G-A. GRCh37 (hg19) VCF-style: chr12-88482980-G-A.
Other names: c.3858C>T (NM_025114.3).
Identifiers: ClinVar variation 4791483 (VCV004791483.2).